The following is an entry in ClinVar:

NM_030653.4(DDX11):c.963G>A (p.Glu321=)

Gene: DDX11 (DEAD/H-box helicase 11; plus strand). Cytogenetic location: 12p11.21.
Variant type: single nucleotide variant.
Coding change: c.963G>A on transcript NM_030653.4 (MANE Select); coding-DNA position 963, G replaced by A.
Protein change: p.Glu321=; no amino-acid change (glutamic acid 321 retained).
Molecular consequence: synonymous variant. On other transcripts: 5 prime UTR variant (1), non-coding transcript variant (4).
Genome position (GRCh38, 1-based): chr12:31,089,968, G>A. VCF-style: chr12-31089968-G-A. GRCh37 (hg19) VCF-style: chr12-31242902-G-A.
Other names: c.963G>A, p.Glu321= (NM_001413693.1, NM_001413694.1, NM_001413695.1 and 5 more transcripts); c.885G>A, p.Glu295= (NM_001413697.1, NM_001413698.1, NM_001413699.1 and 1 more transcripts); c.876G>A, p.Glu292= (NM_001413700.1); c.435G>A, p.Glu145= (NM_001413702.1, NM_001413703.1); c.102G>A, p.Glu34= (NM_001413704.1, NM_001413705.1); c.-4G>A (NM_001413706.1).
Identifiers: ClinVar variation 2642818 (VCV002642818.24), dbSNP rs2499242171, ClinGen allele CA479118247.

ClinVar aggregate classification (germline): Likely benign (1 of 4 stars; one submission).

Submission:

CeGaT Center for Human Genetics Tuebingen
Classification: Likely benign. Last evaluated: 2023-04-01. Review status: criteria provided, single submitter. Criteria: CeGaT Center For Human Genetics Tuebingen Variant Classification Criteria Version 2. Collection method: clinical testing. Allele origin: germline. Affected: yes. Observed: 1 variant allele.
Comment: DDX11: PM2:Supporting, BP4, BP7